The following is an entry in ClinVar:

NM_000444.6(PHEX):c.316del (p.Trp106fs)

Gene: PHEX (phosphate regulating endopeptidase X-linked; plus strand). Cytogenetic location: Xp22.11.
Variant type: Deletion.
Coding change: c.316del on transcript NM_000444.6 (MANE Select); coding-DNA position 316, one base deleted (T; older notation c.316delT).
Protein change: p.Trp106fs; shifts the reading frame from tryptophan 106.
Molecular consequence: frameshift variant.
Genome position (GRCh38, 1-based): chrX:22,047,178, T deleted; the last of 2 consecutive T bases (chrX:22,047,177-22,047,178); deleting either gives the same sequence. VCF-style (leftmost placement, unchanged base first): chrX-22047176-CT-C. GRCh37 (hg19) VCF-style: chrX-22065294-CT-C.
Other names: c.316del, p.Trp106fs (NM_001282754.2); short protein forms W106fs.
Identifiers: ClinVar variation 1392012 (VCV001392012.7), dbSNP rs2146987897, ClinGen allele CA2573158516.

ClinVar aggregate classification (germline): Pathogenic. Review status: criteria provided, single submitter (1 of 4 stars). 2 submissions from 2 submitters: Pathogenic (1). 1 of the submissions does not count toward it. Last evaluated 2021-07-08.

Conditions:
Childhood hypophosphatasia. Identifiers: Orphanet 247667, Orphanet 436, MedGen C0220743, MONDO:1010168, OMIM 241510, MONDO:0009428.

Submissions (2):

Labcorp Genetics (formerly Invitae), Labcorp
Classification: Pathogenic. Last evaluated: 2021-07-08. Review status: criteria provided, single submitter. Criteria: Invitae Variant Classification Sherloc (09022015). Collection method: clinical testing. Allele origin: germline.
Comment: This sequence change creates a premature translational stop signal (p.Trp106Glyfs*2) in the PHEX gene. It is expected to result in an absent or disrupted protein product. Loss-of-function variants in PHEX are known to be pathogenic (PMID: 9097956, 9106524, 19219621). This variant is not present in population databases (ExAC no frequency). This variant has not been reported in the literature in individuals affected with PHEX-related conditions. For these reasons, this variant has been classified as Pathogenic.

Department of Pediatric Endocrinology, Shriners Hospitals for Children - Mexico City
No classification provided. Condition: Childhood hypophosphatasia. Review status: no classification provided. Collection method: phenotyping only. Allele origin: germline. Inheritance: X-linked dominant inheritance. Affected: yes. Observed: 1 variant allele. Not counted in ClinVar's aggregate classification.

Literature cited by the submitters: PubMed 9097956 (cited by Labcorp Genetics (formerly Invitae), Labcorp); PubMed 9106524 (cited by Labcorp Genetics (formerly Invitae), Labcorp); PubMed 19219621 (cited by Labcorp Genetics (formerly Invitae), Labcorp).